The following is an entry in ClinVar:

NM_001252024.2(TRPM1):c.767T>C (p.Ile256Thr)

Gene: TRPM1 (transient receptor potential cation channel subfamily M member 1; minus strand). Cytogenetic location: 15q13.3.
Variant type: single nucleotide variant.
Coding change: c.767T>C on transcript NM_001252024.2 (MANE Select); coding-DNA position 767, T replaced by C.
Protein change: p.Ile256Thr; replaces isoleucine 256 with threonine.
Molecular consequence: missense variant.
Genome position (GRCh38, 1-based): chr15:31,066,099, A>G on the plus strand (T>C on the coding strand, the complement: TRPM1 is on the minus strand). VCF-style: chr15-31066099-A-G. GRCh37 (hg19) VCF-style: chr15-31358302-A-G.
Other names: c.701T>C (NM_002420.4); c.818T>C, p.Ile273Thr (NM_001252020.2); c.701T>C, p.Ile234Thr (NM_002420.6); short protein forms I234T, I256T, I273T.
Identifiers: ClinVar variation 1383392 (VCV001383392.10), dbSNP rs1342680878, ClinGen allele CA391531529.

ClinVar aggregate classification (germline): Uncertain significance. Review status: criteria provided, multiple submitters, no conflicts (2 of 4 stars). 3 submissions from 3 submitters: Uncertain significance (3). Last evaluated 2022-12-28.

Conditions:
Inborn genetic diseases. Identifiers: MedGen C0950123, MeSH D030342.

Allele frequency attached by ClinVar (database versions not stated): gnomAD exomes below 0.00001; TOPMed 0.00002.
gnomAD v4.1: 2 of 1,613,828 alleles (0.00012%); highest among the groups gnomAD compares: Non-Finnish European, 0.00017%; no homozygotes.

Submissions (3):

Ambry Genetics
Classification: Uncertain significance for Inborn genetic diseases. Last evaluated: 2022-12-28. Review status: criteria provided, single submitter. Criteria: Ambry Variant Classification Scheme 2023. Collection method: clinical testing. Allele origin: germline.

Labcorp Genetics (formerly Invitae), Labcorp
Classification: Uncertain significance. Last evaluated: 2022-07-06. Review status: criteria provided, single submitter. Criteria: Invitae Variant Classification Sherloc (09022015). Collection method: clinical testing. Allele origin: germline.
Comment: In summary, the available evidence is currently insufficient to determine the role of this variant in disease. Therefore, it has been classified as a Variant of Uncertain Significance. Algorithms developed to predict the effect of missense changes on protein structure and function are either unavailable or do not agree on the potential impact of this missense change (SIFT: "Deleterious"; PolyPhen-2: "Benign"; Align-GVGD: "Class C65"). ClinVar contains an entry for this variant (Variation ID: 1383392). This variant has not been reported in the literature in individuals affected with TRPM1-related conditions. This variant is not present in population databases (gnomAD no frequency). This sequence change replaces isoleucine, which is neutral and non-polar, with threonine, which is neutral and polar, at codon 234 of the TRPM1 protein (p.Ile234Thr).

Blueprint Genetics
Classification: Uncertain significance. Last evaluated: 2018-12-11. Review status: criteria provided, single submitter. Criteria: ACMG Guidelines, 2015. Collection method: clinical testing. Allele origin: germline.